The following is an entry in ClinVar:

ClinVar aggregate classification (germline): Likely benign (1 of 4 stars; one submission).

Allele frequency attached by ClinVar (database versions not stated): gnomAD 0.00001 and 0.00004; gnomAD exomes 0.00003; TOPMed 0.00004.
gnomAD v4.1: 37 of 985,480 alleles (0.0038%); highest among the groups gnomAD compares: South Asian, 0.0047%; no homozygotes.

Submission:

GeneDx
Classification: Likely benign. Last evaluated: 2016-08-31. Review status: criteria provided, single submitter. Criteria: GeneDx Variant Classification (06012015). Collection method: clinical testing. Allele origin: germline. Affected: yes.
Comment: This variant is considered likely benign or benign based on one or more of the following criteria: it is a conservative change, it occurs at a poorly conserved position in the protein, it is predicted to be benign by multiple in silico algorithms, and/or has population frequency not consistent with disease.

NM_032901.4(COX14):c.-9+15A>G

Genes: COX14 (cytochrome c oxidase assembly factor COX14; plus strand), LOC130007876 (ATAC-STARR-seq lymphoblastoid active region 6346; plus strand). Cytogenetic location: 12q13.12.
Variant type: single nucleotide variant.
Coding change: c.-9+15A>G on transcript NM_032901.4 (MANE Select); 15 bases into the intron after 9 bases upstream of the start codon, A replaced by G.
Molecular consequence: intron variant. On other transcripts: 5 prime UTR variant (1).
Genome position (GRCh38, 1-based): chr12:50,112,316, A>G. VCF-style: chr12-50112316-A-G. GRCh37 (hg19) VCF-style: chr12-50506099-A-G.
Other names: c.-190A>G (NM_001257134.2); c.-69+15A>G (NM_001257133.2).
Identifiers: ClinVar variation 388877 (VCV000388877.1), dbSNP rs974992601, ClinGen allele CA16606566.